The following is an entry in ClinVar:

ClinVar aggregate classification (germline): Pathogenic (1 of 4 stars; one submission).

Conditions:
Neurofibromatosis, type 1 (NF1). Also called: VON RECKLINGHAUSEN DISEASE; Peripheral type neurofibromatosis; NEUROFIBROMATOSIS, TYPE I, SOMATIC; Neurofibromatosis, type I. Identifiers: Orphanet 636, MedGen C0027831, MONDO:0018975, OMIM 162200. Disease mechanism: loss of function.

Submission:

Labcorp Genetics (formerly Invitae), Labcorp
Classification: Pathogenic for Neurofibromatosis, type 1. Last evaluated: 2023-05-11. Review status: criteria provided, single submitter. Criteria: Invitae Variant Classification Sherloc (09022015). Collection method: clinical testing. Allele origin: germline.
Comment: For these reasons, this variant has been classified as Pathogenic. The region of the NF1 gene that includes exon(s) 43-44 has been determined to be clinically significant (PMID: 16283621, 18055911; Invitae). Therefore, deletions that encompass that region are likely to be disease-causing. Experimental studies and prediction algorithms are not available or were not evaluated, and the functional significance of this variant is currently unknown. This variant has not been reported in the literature in individuals affected with NF1-related conditions. This variant is a gross deletion of the genomic region encompassing exon(s) 36-49 of the NF1 gene. This variant would be expected to be in-frame, preserving the integrity of the reading frame.

Literature cited by the submitters: PubMed 16283621; PubMed 18055911.

NC_000017.10:g.(?_29652828)_(29677346_?)del

Gene: NF1 (neurofibromin 1; plus strand). Cytogenetic location: 17q11.2.
Variant type: Deletion.
Identifiers: ClinVar variation 1072223 (VCV001072223.3).